The following is an entry in ClinVar:

ClinVar aggregate classification (germline): Likely pathogenic (1 of 4 stars; one submission).

Conditions:
Autosomal recessive nonsyndromic hearing loss 4 (DFNB4). Also called: Deafness, autosomal recessive 4; FOXI1-Related Pendred Syndrome; KCNJ10-Related Pendred Syndrome; DEAFNESS, AUTOSOMAL RECESSIVE 4, WITH ENLARGED VESTIBULAR AQUEDUCT, DIGENIC; NEUROSENSORY NONSYNDROMIC RECESSIVE DEAFNESS 4; Nonsyndromic enlarged vestibular aqueduct (NSEVA). Identifiers: Orphanet 90636, MedGen C3538946, MONDO:0010933, OMIM 600791.

Submission:

Institute of Rare Diseases, West China Hospital, Sichuan University
Classification: Likely pathogenic for Autosomal recessive nonsyndromic hearing loss 4. Last evaluated: 2025-01-09. Review status: criteria provided, single submitter. Criteria: ClinGen HL ACMG Specifications v1. Collection method: research. Allele origin: germline. Affected: yes.
Comment: PM3;PM5;PP4;PM2_Supporting;PP3

NM_000441.2(SLC26A4):c.844T>C (p.Cys282Arg)

Gene: SLC26A4 (solute carrier family 26 member 4; plus strand). Cytogenetic location: 7q22.3.
Variant type: single nucleotide variant.
Coding change: c.844T>C on transcript NM_000441.2 (MANE Select); coding-DNA position 844, T replaced by C.
Protein change: p.Cys282Arg; replaces cysteine 282 with arginine.
Molecular consequence: missense variant.
Genome position (GRCh38, 1-based): chr7:107,683,280, T>C. VCF-style: chr7-107683280-T-C. GRCh37 (hg19) VCF-style: chr7-107323725-T-C.
Other names: short protein forms C282R.
Identifiers: ClinVar variation 3601787 (VCV003601787.1).
Genomic context (GRCh38, chr7:107,683,280, plus strand): 5'-CAAAATATTGGTGATACCAATCTTGCTGATTTCACTGCTGGATTGCTCACCATTGTCGTC[T>C]GTATGGCAGTTAAGGAATTAAATGATCGGTTTAGACACAAAATCCCAGTCCCTATTCCTA-3'
Protein context (NP_000432.1, residues 272-292): FTAGLLTIVV[Cys282Arg]MAVKELNDRF